The following is an entry in ClinVar:

NM_015692.5(CPAMD8):c.5545G>T (p.Val1849Leu)

Gene: CPAMD8 (C3 and PZP like alpha-2-macroglobulin domain containing 8; minus strand). Cytogenetic location: 19p13.11.
Variant type: single nucleotide variant.
Coding change: c.5545G>T on transcript NM_015692.5 (MANE Select); coding-DNA position 5545, G replaced by T.
Protein change: p.Val1849Leu; replaces valine 1849 with leucine.
Molecular consequence: missense variant. On other transcripts: non-coding transcript variant (1).
Genome position (GRCh38, 1-based): chr19:16,893,221, C>A on the plus strand (G>T on the coding strand, the complement: CPAMD8 is on the minus strand). VCF-style: chr19-16893221-C-A. GRCh37 (hg19) VCF-style: chr19-17004032-C-A.
Other names: short protein forms V1849L.
Identifiers: ClinVar variation 2175791 (VCV002175791.4), dbSNP rs186748601, ClinGen allele CA9284193.

ClinVar aggregate classification (germline): Uncertain significance (1 of 4 stars; one submission).

Allele frequency attached by ClinVar (database versions not stated): ExAC 0.00002; 1000 Genomes Project 0.00020; gnomAD 0.00022; TOPMed 0.00058.
gnomAD v4.1: 66 of 1,589,418 alleles (0.0042%); highest among the groups gnomAD compares: Admixed American, 0.075%; no homozygotes.

Submission:

Labcorp Genetics (formerly Invitae), Labcorp
Classification: Uncertain significance. Last evaluated: 2022-08-05. Review status: criteria provided, single submitter. Criteria: Invitae Variant Classification Sherloc (09022015). Collection method: clinical testing. Allele origin: germline.
Comment: This variant has not been reported in the literature in individuals affected with CPAMD8-related conditions. This variant is present in population databases (rs186748601, gnomAD 0.02%). This sequence change replaces valine, which is neutral and non-polar, with leucine, which is neutral and non-polar, at codon 1896 of the CPAMD8 protein (p.Val1896Leu). Algorithms developed to predict the effect of missense changes on protein structure and function (SIFT, PolyPhen-2, Align-GVGD) all suggest that this variant is likely to be tolerated. In summary, the available evidence is currently insufficient to determine the role of this variant in disease. Therefore, it has been classified as a Variant of Uncertain Significance. Algorithms developed to predict the effect of sequence changes on RNA splicing suggest that this variant may create or strengthen a splice site.